The following is an entry in ClinVar:

ClinVar aggregate classification (germline): Benign/Likely benign. Review status: criteria provided, multiple submitters, no conflicts (2 of 4 stars). 4 submissions from 4 submitters: Benign (2); Likely benign (2). Last evaluated 2025-08-18.

Allele frequency attached by ClinVar (database versions not stated): 1000 Genomes Project 30x 0.00390; 1000 Genomes Project 0.00419; TOPMed 0.00485; gnomAD 0.00617 and 0.00622; ExAC 0.00700; gnomAD exomes 0.00737; ESP Exome Variant Server 0.00854.
gnomAD v4.1: 10,870 of 1,519,114 alleles (0.72%); highest among the groups gnomAD compares: Middle Eastern, 1.8%; 54 homozygotes.

Submissions (4):

Genomic Medicine Center of Excellence, King Faisal Specialist Hospital and Research Centre
Classification: Likely benign. Last evaluated: 2025-08-18. Review status: criteria provided, single submitter. Criteria: ACMG Guidelines, 2015. Collection method: clinical testing. Allele origin: germline.

CeGaT Center for Human Genetics Tuebingen
Classification: Likely benign. Last evaluated: 2024-11-01. Review status: criteria provided, single submitter. Criteria: CeGaT Center For Human Genetics Tuebingen Variant Classification Criteria Version 2. Collection method: clinical testing. Allele origin: germline. Affected: yes. Observed: 5 variant alleles.
Comment: DNAH6: BP4, BS2

Labcorp Genetics (formerly Invitae), Labcorp
Classification: Benign. Last evaluated: 2018-03-29. Review status: criteria provided, single submitter. Criteria: Invitae Variant Classification Sherloc (09022015). Collection method: clinical testing. Allele origin: germline.

Breakthrough Genomics
Classification: Benign. Review status: criteria provided, single submitter. Criteria: ACMG Guidelines, 2015. Collection method: not provided. Allele origin: germline. Inheritance: Unknown mechanism. Affected: yes.

NM_001370.2(DNAH6):c.7292+6G>A

Gene: DNAH6 (dynein axonemal heavy chain 6; plus strand). Cytogenetic location: 2p11.2.
Variant type: single nucleotide variant.
Coding change: c.7292+6G>A on transcript NM_001370.2 (MANE Select); 6 bases into the intron after coding-DNA position 7292, G replaced by A.
Molecular consequence: intron variant.
Genome position (GRCh38, 1-based): chr2:84,688,599, G>A. VCF-style: chr2-84688599-G-A. GRCh37 (hg19) VCF-style: chr2-84915723-G-A.
Identifiers: ClinVar variation 719965 (VCV000719965.28), dbSNP rs193043554, ClinGen allele CA1737395.